The following is an entry in ClinVar:

ClinVar aggregate classification (germline): Pathogenic. Review status: criteria provided, multiple submitters, no conflicts (2 of 4 stars). 11 submissions from 11 submitters: Pathogenic (10). 1 of the submissions does not count toward it. Last evaluated 2025-11-12.

Conditions:
RIT1-related disorder. Also called: RIT1-related condition.
Noonan syndrome 8 (NS8). Identifiers: Orphanet 648, MedGen C3809233, MONDO:0014143, OMIM 615355.
RASopathy. Also called: rasopathies; Noonan spectrum disorder. Identifiers: Orphanet 536391, MedGen C5555857, MONDO:0021060.
Noonan syndrome (NS). Also called: Noonan's syndrome. Identifiers: Orphanet 648, MedGen C0028326, MeSH D009634, MONDO:0018997. Disease mechanism: gain of function.

Allele frequency attached by ClinVar (database versions not stated): TOPMed below 0.00001; gnomAD 0.00001.

Submissions (11):

3billion
Classification: Pathogenic for Noonan syndrome 8. Last evaluated: 2025-11-12. Review status: criteria provided, single submitter. Criteria: ACMG Guidelines, 2015. Collection method: clinical testing. Allele origin: germline. Affected: yes.
Comment: The variant is observed at an extremely low frequency in the gnomAD v4.1.0 dataset (total allele frequency: <0.001%). Predicted Consequence/Location: Missense variant. Missense changes are a common disease-causing mechanism. Functional studies provide moderate evidence of the variant having a damaging effect on the gene or gene product (PMID: 27226556). The same nucleotide change resulting in the same amino acid change has been previously reported as pathogenic/likely pathogenic with strong evidence (ClinVar ID: VCV000183401 /PMID: 23791108). The variant has been previously reported as de novo in at least two similarly affected unrelated individuals (PMID: 27101134). The variant has been observed in multiple (>3) similarly affected unrelated individuals (PMID: 23791108, 25124994, 26757980, 27101134). Therefore, this variant is classified as Pathogenic according to the recommendation of ACMG/AMP guideline.

Labcorp Genetics (formerly Invitae), Labcorp
Classification: Pathogenic for Noonan syndrome 8. Last evaluated: 2024-01-11. Review status: criteria provided, single submitter. Criteria: Invitae Variant Classification Sherloc (09022015). Collection method: clinical testing. Allele origin: germline.
Comment: This sequence change replaces serine, which is neutral and polar, with threonine, which is neutral and polar, at codon 35 of the RIT1 protein (p.Ser35Thr). This variant is not present in population databases (gnomAD no frequency). This missense change has been observed in individuals with Noonan syndrome (PMID: 23791108, 25124994, 26714497, 26757980, 27101134). ClinVar contains an entry for this variant (Variation ID: 183401). An algorithm developed to predict the effect of missense changes on protein structure and function (PolyPhen-2) suggests that this variant is likely to be disruptive. Experimental studies have shown that this missense change affects RIT1 function (PMID: 23791108, 27226556). For these reasons, this variant has been classified as Pathogenic.

Women's Health and Genetics/Laboratory Corporation of America, LabCorp
Classification: Pathogenic for RASopathy. Last evaluated: 2023-05-08. Review status: criteria provided, single submitter. Criteria: LabCorp Variant Classification Summary - May 2015. Collection method: clinical testing. Allele origin: germline.
Comment: Variant summary: RIT1 c.104G>C (p.Ser35Thr) results in a conservative amino acid change located in the Small GTP-binding protein domain (IPR005225) of the encoded protein sequence. Three of five in-silico tools predict a damaging effect of the variant on protein function. 4/4 computational tools predict no significant impact on normal splicing. However, these predictions have yet to be confirmed by functional studies. The variant was absent in 251328 control chromosomes (gnomAD). c.104G>C has been reported in the literature in multiple individuals affected with Noonan Syndrome (e.g. Aoki_2013, Bertola_2014, Kouz), including some cases where the variant was confirmed to have arisen de novo (Kouz_2016). These data indicate that the variant is very likely to be associated with disease. At least one publication reports experimental evidence evaluating an impact on protein function, demonstrating the variant causes gain-of-function, which is a known mechanism of disease (e.g. Fang_2016). The following publications have been ascertained in the context of this evaluation (PMID: 23791108, 25124994, 27226556, 27101134). Five ClinVar submitters have assessed the variant since 2014: all have classified the variant as pathogenic. Based on the evidence outlined above, the variant was classified as pathogenic.

Genome-Nilou Lab
Classification: Pathogenic for Noonan syndrome 8. Last evaluated: 2023-04-11. Review status: criteria provided, single submitter. Criteria: ACMG Guidelines, 2015. Collection method: clinical testing. Allele origin: germline. Affected: no.

Blueprint Genetics
Classification: Pathogenic for RIT1-related disorders. Last evaluated: 2022-09-26. Review status: criteria provided, single submitter. Criteria: ACMG Guidelines, 2015. Collection method: clinical testing. Allele origin: germline. Affected: yes. Observed: 5 variant alleles.

GeneDx
Classification: Pathogenic. Last evaluated: 2022-06-16. Review status: criteria provided, single submitter. Criteria: GeneDx Variant Classification Process June 2021. Collection method: clinical testing. Allele origin: germline. Affected: yes.
Comment: Published functional studies demonstrate S35T results in enhanced ELK1 transactivation and altered GDP/GTP binding activities (Aoki et al., 2013; Fang et al. 2016); Not observed in large population cohorts (gnomAD); In silico analysis supports that this missense variant has a deleterious effect on protein structure/function; This variant is associated with the following publications: (PMID: 25049390, 27226556, 25124994, 25959749, 26757980, 26714497, 28666118, 27101134, 30898653, 29595814, 23791108)

Clinical Genetics Laboratory, Skane University Hospital Lund
Classification: Pathogenic. Last evaluated: 2022-05-27. Review status: criteria provided, single submitter. Criteria: ACMG Guidelines, 2015. Collection method: clinical testing. Allele origin: germline. Affected: yes.

Department of Maternal-Fetal Biology, National Research Institute for Child Health and Development
Classification: Pathogenic for Noonan syndrome 8. Last evaluated: 2022-01-01. Review status: criteria provided, single submitter. Criteria: ACMG Guidelines, 2015. Collection method: research. Allele origin: de novo. Affected: yes. Observed: 1 variant allele.

Fulgent Genetics
Classification: Pathogenic for Noonan syndrome 8. Last evaluated: 2018-10-31. Review status: criteria provided, single submitter. Criteria: ACMG Guidelines, 2015. Collection method: clinical testing. Allele origin: unknown.

Laboratory for Molecular Medicine, Mass General Brigham Personalized Medicine
Classification: Pathogenic for Noonan syndrome. Last evaluated: 2016-02-11. Review status: criteria provided, single submitter. Criteria: LMM Criteria. Collection method: clinical testing. Allele origin: germline. Inheritance: Autosomal dominant inheritance. Observed: 1 variant allele.
Comment: proposed classification - variant undergoing re-assessment, contact laboratory

Service de Génétique Moléculaire, Hôpital Robert Debré
Classification: Pathogenic for Noonan's syndrome. Review status: no assertion criteria provided. Criteria: clinical testing. Collection method: clinical testing. Allele origin: unknown. Affected: yes. Observed: 3 variant alleles. Not counted in ClinVar's aggregate classification.

Literature cited by the submitters: PubMed 27226556 (cited by 3 submitters); PubMed 26757980 (cited by 3 submitters); PubMed 25124994 (cited by 4 submitters); PubMed 27101134 (cited by 3 submitters); PubMed 23791108 (cited by 4 submitters); PubMed 26714497 (cited by Labcorp Genetics (formerly Invitae), Labcorp and Laboratory for Molecular Medicine, Mass General Brigham Personalized Medicine); PubMed 25049390 (cited by Laboratory for Molecular Medicine, Mass General Brigham Personalized Medicine).

NM_006912.6(RIT1):c.104G>C (p.Ser35Thr)

Gene: RIT1 (Ras like without CAAX 1; minus strand). Cytogenetic location: 1q22.
Variant type: single nucleotide variant.
Coding change: c.104G>C on transcript NM_006912.6 (MANE Select); coding-DNA position 104, G replaced by C.
Protein change: p.Ser35Thr; replaces serine 35 with threonine.
Molecular consequence: missense variant. On other transcripts: intron variant (1).
Genome position (GRCh38, 1-based): chr1:155,910,658, C>G on the plus strand (G>C on the coding strand, the complement: RIT1 is on the minus strand). VCF-style: chr1-155910658-C-G. GRCh37 (hg19) VCF-style: chr1-155880449-C-G.
Other names: c.155G>C, p.Ser52Thr (NM_001256821.2); c.-2-152G>C (NM_001256820.2); short protein forms S35T, S52T.
Identifiers: ClinVar variation 183401 (VCV000183401.24), dbSNP rs869025189, ClinGen allele CA353872.